The following is an entry in ClinVar:

NM_213599.3(ANO5):c.1952T>C (p.Leu651Pro)

Gene: ANO5 (anoctamin 5; plus strand). Cytogenetic location: 11p14.3.
Variant type: single nucleotide variant.
Coding change: c.1952T>C on transcript NM_213599.3 (MANE Select); coding-DNA position 1952, T replaced by C.
Protein change: p.Leu651Pro; replaces leucine 651 with proline.
Molecular consequence: missense variant.
Genome position (GRCh38, 1-based): chr11:22,270,365, T>C. VCF-style: chr11-22270365-T-C. GRCh37 (hg19) VCF-style: chr11-22291911-T-C.
Other names: c.1949T>C, p.Leu650Pro (NM_001142649.2); c.1910T>C, p.Leu637Pro (NM_001410963.1); c.1907T>C, p.Leu636Pro (NM_001410964.1); short protein forms L636P, L637P, L650P, L651P.
Identifiers: ClinVar variation 1721190 (VCV001721190.6), dbSNP rs1854562755, ClinGen allele CA379923337.
Genomic context (GRCh38, chr11:22,270,365, plus strand): 5'-CCAACAGCTTGGCTTTGAATTGGTGGAGACGCCGAAAAGCTCGGACAAACTCTGAGAAGC[T>C]GTATAGTCGATGGGAGCAGGATCATGACCTTGAAAGTTTTGGACCCCTTGGGCTTTTCTA-3'
Protein context (NP_998764.1, residues 641-661): RRKARTNSEK[Leu651Pro]YSRWEQDHDL

ClinVar aggregate classification (germline): Uncertain significance (1 of 4 stars; one submission).

Conditions:
Autosomal recessive limb-girdle muscular dystrophy type 2L (LGMDR12). Also called: MUSCULAR DYSTROPHY, LIMB-GIRDLE, AUTOSOMAL RECESSIVE 12; Limb-girdle muscular dystrophy, type 2L; Limb-Girdle Muscular Dystrophy R12 Anoctamin-5-Related (LGMD-R12). Identifiers: Orphanet 206549, MedGen C1969785, MONDO:0012652, OMIM 611307.
Gnathodiaphyseal dysplasia (GDD). Also called: OSTEOGENESIS IMPERFECTA WITH UNUSUAL SKELETAL LESIONS; GNATHODIAPHYSEAL SCLEROSIS. Identifiers: Orphanet 53697, MedGen C1833736, MONDO:0008151, OMIM 166260.

Allele frequency attached by ClinVar (database versions not stated): gnomAD exomes below 0.00001; TOPMed 0.00001.
gnomAD v4.1: 2 of 1,614,184 alleles (0.00012%); highest among the groups gnomAD compares: African/African-American, 0.0013%; no homozygotes.

Submission:

Labcorp Genetics (formerly Invitae), Labcorp
Classification: Uncertain significance for Autosomal recessive limb-girdle muscular dystrophy type 2L; Gnathodiaphyseal dysplasia. Last evaluated: 2025-04-28. Review status: criteria provided, single submitter. Criteria: Invitae Variant Classification Sherloc (09022015). Collection method: clinical testing. Allele origin: germline.
Comment: This sequence change replaces leucine, which is neutral and non-polar, with proline, which is neutral and non-polar, at codon 651 of the ANO5 protein (p.Leu651Pro). This variant is not present in population databases (gnomAD no frequency). This variant has not been reported in the literature in individuals affected with ANO5-related conditions. ClinVar contains an entry for this variant (Variation ID: 1721190). Invitae Evidence Modeling of protein sequence and biophysical properties (such as structural, functional, and spatial information, amino acid conservation, physicochemical variation, residue mobility, and thermodynamic stability) has been performed for this missense variant. However, the output from this modeling did not meet the statistical confidence thresholds required to predict the impact of this variant on ANO5 protein function. In summary, the available evidence is currently insufficient to determine the role of this variant in disease. Therefore, it has been classified as a Variant of Uncertain Significance.